The following is an entry in ClinVar:

NM_001394062.1(MACF1):c.14544C>T (p.Gly4848=)

Gene: MACF1 (microtubule actin crosslinking factor 1; plus strand). Cytogenetic location: 1p34.3.
Variant type: single nucleotide variant.
Coding change: c.14544C>T on transcript NM_001394062.1 (MANE Select); coding-DNA position 14544, C replaced by T.
Protein change: p.Gly4848=; no amino-acid change (glycine 4848 retained).
Molecular consequence: synonymous variant.
Genome position (GRCh38, 1-based): chr1:39,387,386, C>T. VCF-style: chr1-39387386-C-T. GRCh37 (hg19) VCF-style: chr1-39853058-C-T.
Other names: c.8358C>T, p.Gly2786= (NM_012090.5).
Identifiers: ClinVar variation 4083896 (VCV004083896.8).

ClinVar aggregate classification (germline): Likely benign (1 of 4 stars; one submission).

gnomAD v4.1: 85 of 1,614,020 alleles (0.0053%); highest among the groups gnomAD compares: South Asian, 0.09%; 2 homozygotes.

Submission:

CeGaT Center for Human Genetics Tuebingen
Classification: Likely benign. Last evaluated: 2025-07-01. Review status: criteria provided, single submitter. Criteria: CeGaT Center For Human Genetics Tuebingen Variant Classification Criteria Version 2. Collection method: clinical testing. Allele origin: germline. Affected: yes. Observed: 1 variant allele.
Comment: MACF1: BP4, BP7